The following is an entry in ClinVar:

ClinVar aggregate classification (germline): Uncertain significance (1 of 4 stars; one submission).

Conditions:
Left ventricular noncompaction 1 (LVNC1). Also called: LEFT VENTRICULAR NONCOMPACTION 1 WITH OR WITHOUT CONGENITAL HEART DEFECTS. Identifiers: Orphanet 54260, MedGen C1858725, MONDO:0011403, OMIM 604169.

gnomAD v4.1: 4 of 1,613,978 alleles (0.00025%); highest among the groups gnomAD compares: African/African-American, 0.0027%; no homozygotes.

Submission:

Labcorp Genetics (formerly Invitae), Labcorp
Classification: Uncertain significance for Left ventricular noncompaction 1. Last evaluated: 2025-07-14. Review status: criteria provided, single submitter. Criteria: Invitae Variant Classification Sherloc (09022015). Collection method: clinical testing. Allele origin: germline.
Comment: This sequence change replaces asparagine, which is neutral and polar, with isoleucine, which is neutral and non-polar, at codon 65 of the DTNA protein (p.Asn65Ile). This variant is not present in population databases (gnomAD no frequency). This variant has not been reported in the literature in individuals affected with DTNA-related conditions. Invitae Evidence Modeling of protein sequence and biophysical properties (such as structural, functional, and spatial information, amino acid conservation, physicochemical variation, residue mobility, and thermodynamic stability) indicates that this missense variant is not expected to disrupt DTNA protein function with a negative predictive value of 80%. In summary, the available evidence is currently insufficient to determine the role of this variant in disease. Therefore, it has been classified as a Variant of Uncertain Significance.

NM_001386795.1(DTNA):c.194A>T (p.Asn65Ile)

Gene: DTNA (dystrobrevin alpha; plus strand). Cytogenetic location: 18q12.1.
Variant type: single nucleotide variant.
Coding change: c.194A>T on transcript NM_001386795.1 (MANE Select); coding-DNA position 194, A replaced by T.
Protein change: p.Asn65Ile; replaces asparagine 65 with isoleucine.
Molecular consequence: missense variant.
Genome position (GRCh38, 1-based): chr18:34,794,082, A>T. VCF-style: chr18-34794082-A-T. GRCh37 (hg19) VCF-style: chr18-32374046-A-T.
Other names: c.194A>T, p.Asn65Ile (NM_001128175.2, NM_001198938.2, NM_001198939.2 and 35 more transcripts); short protein forms N65I.
Identifiers: ClinVar variation 4808797 (VCV004808797.1).